The following is an entry in ClinVar:

NM_014915.3(ANKRD26):c.4372G>T (p.Val1458Leu)

Gene: ANKRD26 (ankyrin repeat domain 26; minus strand). Cytogenetic location: 10p12.1.
Variant type: single nucleotide variant.
Coding change: c.4372G>T on transcript NM_014915.3 (MANE Select); coding-DNA position 4372, G replaced by T.
Protein change: p.Val1458Leu; replaces valine 1458 with leucine.
Molecular consequence: missense variant.
Genome position (GRCh38, 1-based): chr10:27,017,636, C>A on the plus strand (G>T on the coding strand, the complement: ANKRD26 is on the minus strand). VCF-style: chr10-27017636-C-A. GRCh37 (hg19) VCF-style: chr10-27306565-C-A.
Other names: c.4369G>T, p.Val1457Leu (NM_001256053.2); short protein forms V1458L, V1457L.
Identifiers: ClinVar variation 2978602 (VCV002978602.4), dbSNP rs756710529, ClinGen allele CA5447803.

ClinVar aggregate classification (germline): Uncertain significance. Review status: criteria provided, multiple submitters, no conflicts (2 of 4 stars). 2 submissions from 2 submitters: Uncertain significance (2). Last evaluated 2025-06-05.

Conditions:
Inborn genetic diseases. Identifiers: MedGen C0950123, MeSH D030342.

Allele frequency attached by ClinVar (database versions not stated): gnomAD exomes below 0.00001; ExAC 0.00001; TOPMed 0.00001.
gnomAD v4.1: 1 of 1,613,650 alleles (0.000062%); highest among the groups gnomAD compares: Non-Finnish European, 0.000085%; no homozygotes.

Submissions (2):

Ambry Genetics
Classification: Uncertain significance for Inborn genetic diseases. Last evaluated: 2025-06-05. Review status: criteria provided, single submitter. Criteria: Ambry Variant Classification Scheme 2023. Collection method: clinical testing. Allele origin: germline.
Comment: The p.V1458L variant (also known as c.4372G>T), located in coding exon 30 of the ANKRD26 gene, results from a G to T substitution at nucleotide position 4372. The valine at codon 1458 is replaced by leucine, an amino acid with highly similar properties. This amino acid position is conserved. In addition, this alteration is predicted to be tolerated by in silico analysis. Based on the available evidence, the clinical significance of this variant remains unclear.

Labcorp Genetics (formerly Invitae), Labcorp
Classification: Uncertain significance. Last evaluated: 2023-08-11. Review status: criteria provided, single submitter. Criteria: Invitae Variant Classification Sherloc (09022015). Collection method: clinical testing. Allele origin: germline.
Comment: In summary, the available evidence is currently insufficient to determine the role of this variant in disease. Therefore, it has been classified as a Variant of Uncertain Significance. Algorithms developed to predict the effect of missense changes on protein structure and function output the following: SIFT: "Not Available"; PolyPhen-2: "Benign"; Align-GVGD: "Not Available". The leucine amino acid residue is found in multiple mammalian species, which suggests that this missense change does not adversely affect protein function. This variant has not been reported in the literature in individuals affected with ANKRD26-related conditions. This variant is present in population databases (rs756710529, gnomAD 0.0009%). This sequence change replaces valine, which is neutral and non-polar, with leucine, which is neutral and non-polar, at codon 1458 of the ANKRD26 protein (p.Val1458Leu).